The following is an entry in ClinVar:

ClinVar aggregate classification (germline): Likely pathogenic (1 of 4 stars; one submission).

Submission:

Labcorp Genetics (formerly Invitae), Labcorp
Classification: Likely pathogenic. Last evaluated: 2025-08-12. Review status: criteria provided, single submitter. Criteria: Invitae Variant Classification Sherloc (09022015). Collection method: clinical testing. Allele origin: germline.
Comment: This sequence change affects a donor splice site in intron 19 of the TJP2 gene. It is expected to disrupt RNA splicing. Variants that disrupt the donor or acceptor splice site typically lead to a loss of protein function (PMID: 16199547), and loss-of-function variants in TJP2 are known to be pathogenic (PMID: 24614073, 25921221, 28039895). This variant is not present in population databases (gnomAD no frequency). This variant has not been reported in the literature in individuals affected with TJP2-related conditions. Algorithms developed to predict the effect of sequence changes on RNA splicing suggest that this variant may disrupt the consensus splice site. In summary, the currently available evidence indicates that the variant is pathogenic, but additional data are needed to prove that conclusively. Therefore, this variant has been classified as Likely Pathogenic.

Literature cited by the submitters: PubMed 16199547; PubMed 24614073; PubMed 25921221; PubMed 28039895.

NM_004817.4(TJP2):c.2880+1G>A

Gene: TJP2 (tight junction protein 2; plus strand). Cytogenetic location: 9q21.11.
Variant type: single nucleotide variant.
Coding change: c.2880+1G>A on transcript NM_004817.4 (MANE Select); the canonical splice donor site of the intron after coding-DNA position 2880, G replaced by A.
Molecular consequence: splice donor variant. On other transcripts: intron variant (1).
Genome position (GRCh38, 1-based): chr9:69,248,225, G>A. VCF-style: chr9-69248225-G-A. GRCh37 (hg19) VCF-style: chr9-71863141-G-A.
Other names: c.2811+1G>A (NM_001170414.2, NM_001369871.1); c.2805+1G>A (NM_001369870.1); c.2880+1G>A (NM_201629.3, NM_001369872.1); c.2667+1435G>A (NM_001369873.1); c.2892+1G>A (NM_001170415.1, NM_001369875.1, NM_001369874.1); c.2973+1G>A (NM_001170416.2).
Identifiers: ClinVar variation 4725319 (VCV004725319.1).